The following is an entry in ClinVar:

GRCh37/hg19 17q12(chr17:34508117-36173763)x1

Genes: AATF (apoptosis antagonizing transcription factor; plus strand), ACACA (acetyl-CoA carboxylase alpha; minus strand), C17orf78 (chromosome 17 open reading frame 78; plus strand), CCL3L3 (C-C motif chemokine ligand 3 like 3; minus strand), CCL4L2 (C-C motif chemokine ligand 4 like 2; plus strand) and 35 more. Cytogenetic location: 17q12.
Variant type: copy number loss.
Change: copy number 1 (one copy instead of two) of chr17:34,508,117-36,173,763 (1.67 Mb, GRCh37 coordinates, 1-based), cytogenetic band 17q12.
Identifiers: ClinVar variation 60470 (VCV000060470.1).

ClinVar aggregate classification (germline): Pathogenic (1 of 4 stars; one submission).

Submission:

ISCA site 15
Classification: Pathogenic. Last evaluated: 2011-08-12. Review status: criteria provided, single submitter. Criteria: Kaminsky et al. (Genet Med. 2011). Collection method: clinical testing. Allele origin: de novo. Affected: yes. Observed: 2 variant alleles.
Comment: Copy number variation identified through the course of routine clinical cytogenomic testing in postnatal populations. Clinical assertions have been curated as described in Kaminsky et al. 2011.